The following is an entry in ClinVar:

ClinVar aggregate classification (germline): Pathogenic. Review status: criteria provided, multiple submitters, no conflicts (2 of 4 stars). 2 submissions from 2 submitters: Pathogenic (2). Last evaluated 2023-08-27.

Conditions:
Cardiovascular phenotype. Identifiers: MedGen CN230736.
Hereditary hemorrhagic telangiectasia (HHT). Also called: Osler hemorrhagic telangiectasia syndrome; ORW DISEASE; Osler Weber Rendu syndrome; OSLER-RENDU-WEBER DISEASE. Identifiers: Orphanet 774, MedGen C0039445, MONDO:0019180. Disease mechanism: loss of function.

Submissions (2):

Labcorp Genetics (formerly Invitae), Labcorp
Classification: Pathogenic for Hereditary hemorrhagic telangiectasia. Last evaluated: 2023-08-27. Review status: criteria provided, single submitter. Criteria: Invitae Variant Classification Sherloc (09022015). Collection method: clinical testing. Allele origin: germline.
Comment: This sequence change creates a premature translational stop signal (p.Gln476*) in the ENG gene. It is expected to result in an absent or disrupted protein product. Loss-of-function variants in ENG are known to be pathogenic (PMID: 15879500). This variant is not present in population databases (gnomAD no frequency). This premature translational stop signal has been observed in individual(s) with hereditary hemorrhagic telangiectasia (PMID: 25760803). ClinVar contains an entry for this variant (Variation ID: 1074832). Algorithms developed to predict the effect of sequence changes on RNA splicing suggest that this variant may disrupt the consensus splice site. For these reasons, this variant has been classified as Pathogenic.

Ambry Genetics
Classification: Pathogenic for Cardiovascular phenotype. Last evaluated: 2019-07-22. Review status: criteria provided, single submitter. Criteria: Ambry Variant Classification Scheme 2023. Collection method: clinical testing. Allele origin: germline.
Comment: The p.Q476* pathogenic mutation (also known as c.1426C>T), located in coding exon 11 of the ENG gene, results from a C to T substitution at nucleotide position 1426. This changes the amino acid from a glutamine to a stop codon within coding exon 11. This mutation was detected in a family with clinical features of hereditary hemorrhagic telangiectasia, including epistaxis, telangiectasias, and cerebral hemorrhage (Lu Y et al. Mol Med Rep, 2015 Jul;12:510-2). In addition to the clinical data presented in the literature, this alteration is expected to result in loss of function by premature protein truncation or nonsense-mediated mRNA decay. As such, this alteration is interpreted as a disease-causing mutation.

Literature cited by the submitters: PubMed 15879500 (cited by Labcorp Genetics (formerly Invitae), Labcorp); PubMed 25760803 (cited by Labcorp Genetics (formerly Invitae), Labcorp and Ambry Genetics).

NM_001114753.3(ENG):c.1426C>T (p.Gln476Ter)

Genes: ENG (endoglin; minus strand), LOC102723566 (uncharacterized LOC102723566; plus strand). Cytogenetic location: 9q34.11.
Variant type: single nucleotide variant.
Coding change: c.1426C>T on transcript NM_001114753.3 (MANE Select); coding-DNA position 1426, C replaced by T.
Protein change: p.Gln476Ter; replaces glutamine 476 with a stop codon.
Molecular consequence: nonsense.
Genome position (GRCh38, 1-based): chr9:127,818,718, G>A on the plus strand (C>T on the coding strand, the complement: ENG is on the minus strand). VCF-style: chr9-127818718-G-A. GRCh37 (hg19) VCF-style: chr9-130580997-G-A.
Other names: c.1426C>T, p.Gln476Ter (NM_000118.4); c.880C>T, p.Gln294Ter (NM_001278138.2); short protein forms Q294*, Q476*.
Identifiers: ClinVar variation 1074832 (VCV001074832.12), dbSNP rs965119099, ClinGen allele CA374976518.